The following is an entry in ClinVar:

ClinVar aggregate classification (germline): Uncertain significance (1 of 4 stars; one submission).

gnomAD v4.1: 17 of 1,610,168 alleles (0.0011%); highest among the groups gnomAD compares: Non-Finnish European, 0.0014%; no homozygotes.

Submission:

Women's Health and Genetics/Laboratory Corporation of America, LabCorp
Classification: Uncertain significance. Last evaluated: 2025-04-04. Review status: criteria provided, single submitter. Criteria: LabCorp Variant Classification Summary - May 2015. Collection method: clinical testing. Allele origin: germline.
Comment: Variant summary: MYH14 c.3443G>T (p.Arg1148Leu) results in a non-conservative amino acid change in the encoded protein sequence. Five of five in-silico tools predict a damaging effect of the variant on protein function. The variant allele was found at a frequency of 4.2e-06 in 238312 control chromosomes. The available data on variant occurrences in the general population are insufficient to allow any conclusion about variant significance. To our knowledge, no occurrence of c.3443G>T in individuals affected with Autosomal dominant nonsyndromic hearing loss 4A and no experimental evidence demonstrating its impact on protein function have been reported. No submitters have cited clinical-significance assessments for this variant to ClinVar. Based on the evidence outlined above, the variant was classified as uncertain significance.

NM_001145809.2(MYH14):c.3566G>T (p.Arg1189Leu)

Gene: MYH14 (myosin heavy chain 14; plus strand). Cytogenetic location: 19q13.33.
Variant type: single nucleotide variant.
Coding change: c.3566G>T on transcript NM_001145809.2 (MANE Select); coding-DNA position 3566, G replaced by T.
Protein change: p.Arg1189Leu; replaces arginine 1189 with leucine.
Molecular consequence: missense variant.
Genome position (GRCh38, 1-based): chr19:50,276,089, G>T. VCF-style: chr19-50276089-G-T. GRCh37 (hg19) VCF-style: chr19-50779346-G-T.
Other names: c.3467G>T, p.Arg1156Leu (NM_001077186.2); c.3443G>T, p.Arg1148Leu (NM_024729.4); short protein forms R1148L, R1156L, R1189L.
Identifiers: ClinVar variation 3896491 (VCV003896491.2).